The following is an entry in ClinVar:

ClinVar aggregate classification (germline): Pathogenic (1 of 4 stars; one submission).

Conditions:
Hereditary breast ovarian cancer syndrome. Also called: Hereditary breast and ovarian cancer; Hereditary breast and/or ovarian cancer syndrome; BRCA1- and BRCA2-Associated Hereditary Breast and Ovarian Cancer; Hereditary breast and ovarian cancer syndrome; Hereditary breast and ovarian cancer syndrome (HBOC); Breast and ovarian cancer. Identifiers: Orphanet 145, MedGen C0677776, MeSH D061325, MONDO:0003582. Disease mechanism: loss of function.

Submission:

Labcorp Genetics (formerly Invitae), Labcorp
Classification: Pathogenic for Hereditary breast ovarian cancer syndrome. Last evaluated: 2022-10-28. Review status: criteria provided, single submitter. Criteria: Invitae Variant Classification Sherloc (09022015). Collection method: clinical testing. Allele origin: germline.
Comment: For these reasons, this variant has been classified as Pathogenic. Algorithms developed to predict the effect of sequence changes on RNA splicing suggest that this variant may disrupt the consensus splice site. Based on a multifactorial likelihood algorithm using genetic, in silico, and/or statistical data, this variant has been determined to have a high probability of being pathogenic (PMID: 31131967). ClinVar contains an entry for this variant (Variation ID: 409438). This variant has not been reported in the literature in individuals affected with BRCA2-related conditions. This variant is not present in population databases (gnomAD no frequency). This sequence change affects a donor splice site in intron 8 of the BRCA2 gene. It is expected to disrupt RNA splicing. Variants that disrupt the donor or acceptor splice site typically lead to a loss of protein function (PMID: 16199547), and loss-of-function variants in BRCA2 are known to be pathogenic (PMID: 20104584).

Literature cited by the submitters: PubMed 31131967; PubMed 16199547; PubMed 20104584.

NM_000059.4(BRCA2):c.681+1G>T

Gene: BRCA2 (BRCA2 DNA repair associated; plus strand). Cytogenetic location: 13q13.1.
Variant type: single nucleotide variant.
Coding change: c.681+1G>T on transcript NM_000059.4 (MANE Select); the canonical splice donor site of the intron after coding-DNA position 681, G replaced by T.
Molecular consequence: splice donor variant.
Genome position (GRCh38, 1-based): chr13:32,329,493, G>T. VCF-style: chr13-32329493-G-T. GRCh37 (hg19) VCF-style: chr13-32903630-G-T.
Other names: c.681+1G>T (NM_001406720.1, NM_001406719.1, NM_001406721.1); c.312+1G>T (NM_001406722.1).
Identifiers: ClinVar variation 409438 (VCV000409438.7), dbSNP rs398122565, ClinGen allele CA16613912.